The following is an entry in ClinVar:

NM_001040108.2(MLH3):c.703C>G (p.Leu235Val)

Gene: MLH3 (mutL homolog 3; minus strand). Cytogenetic location: 14q24.3.
Variant type: single nucleotide variant.
Coding change: c.703C>G on transcript NM_001040108.2 (MANE Select); coding-DNA position 703, C replaced by G.
Protein change: p.Leu235Val; replaces leucine 235 with valine.
Molecular consequence: missense variant.
Genome position (GRCh38, 1-based): chr14:75,048,953, G>C on the plus strand (C>G on the coding strand, the complement: MLH3 is on the minus strand). VCF-style: chr14-75048953-G-C. GRCh37 (hg19) VCF-style: chr14-75515656-G-C.
Other names: c.703C>G, p.Leu235Val (NM_014381.3); short protein forms L235V.
Identifiers: ClinVar variation 3396764 (VCV003396764.1).
Genomic context (GRCh38, chr14:75,048,953, plus strand): 5'-TCACAAACAAAAACTGCATATTCTTGTTGTAATGTGCTTCAGAGCTGATATAGCCACTAA[G>C]CTCAAACTCTTTATATTTAAAACTTATTTCTCTTAGCTTTTGGGACTTTCCCAATCCATA-3'
Protein context (NP_001035197.1, residues 225-245): EISFKYKEFE[Leu235Val]SGYISSEAHY

ClinVar aggregate classification (germline): Uncertain significance (1 of 4 stars; one submission).

Submission:

Ambry Genetics
Classification: Uncertain significance. Last evaluated: 2024-11-05. Review status: criteria provided, single submitter. Criteria: Ambry Variant Classification Scheme 2023. Collection method: clinical testing. Allele origin: germline.
Comment: The p.L235V variant (also known as c.703C>G), located in coding exon 1 of the MLH3 gene, results from a C to G substitution at nucleotide position 703. The leucine at codon 235 is replaced by valine, an amino acid with highly similar properties. This amino acid position is conserved. In addition, this alteration is predicted to be tolerated by in silico analysis. Based on the available evidence, the clinical significance of this variant remains unclear.